The following is an entry in ClinVar:

ClinVar aggregate classification (germline): Uncertain significance (1 of 4 stars; one submission).

Conditions:
Inborn genetic diseases. Identifiers: MedGen C0950123, MeSH D030342.

gnomAD v4.1: 1 of 1,613,954 alleles (0.000062%); no homozygotes.

Submission:

Ambry Genetics
Classification: Uncertain significance for Inborn genetic diseases. Last evaluated: 2020-03-16. Review status: criteria provided, single submitter. Criteria: Ambry Variant Classification Scheme 2023. Collection method: clinical testing. Allele origin: germline.
Comment: The p.K484R variant (also known as c.1451A>G), located in coding exon 11 of the SH3TC2 gene, results from an A to G substitution at nucleotide position 1451. The lysine at codon 484 is replaced by arginine, an amino acid with highly similar properties. This amino acid position is not well conserved in available vertebrate species, and arginine is the reference amino acid in other vertebrate species. In addition, this alteration is predicted to be tolerated by in silico analysis. Since supporting evidence is limited at this time, the clinical significance of this alteration remains unclear.

NM_024577.4(SH3TC2):c.1451A>G (p.Lys484Arg)

Gene: SH3TC2 (SH3 domain and tetratricopeptide repeats 2; minus strand). Cytogenetic location: 5q32.
Variant type: single nucleotide variant.
Coding change: c.1451A>G on transcript NM_024577.4 (MANE Select); coding-DNA position 1451, A replaced by G.
Protein change: p.Lys484Arg; replaces lysine 484 with arginine.
Molecular consequence: missense variant.
Genome position (GRCh38, 1-based): chr5:149,028,281, T>C on the plus strand (A>G on the coding strand, the complement: SH3TC2 is on the minus strand). VCF-style: chr5-149028281-T-C. GRCh37 (hg19) VCF-style: chr5-148407844-T-C.
Other names: short protein forms K484R.
Identifiers: ClinVar variation 1772955 (VCV001772955.2), dbSNP rs1754114741, ClinGen allele CA361668808.